The following is an entry in ClinVar:

NM_001282874.2(SMARCA1):c.2311G>A (p.Glu771Lys)

Gene: SMARCA1 (SNF2 related chromatin remodeling ATPase 1; minus strand). Cytogenetic location: Xq25.
Variant type: single nucleotide variant.
Coding change: c.2311G>A on transcript NM_001282874.2 (MANE Select); coding-DNA position 2311, G replaced by A.
Protein change: p.Glu771Lys; replaces glutamic acid 771 with lysine.
Molecular consequence: missense variant.
Genome position (GRCh38, 1-based): chrX:129,481,092, C>T on the plus strand (G>A on the coding strand, the complement: SMARCA1 is on the minus strand). VCF-style: chrX-129481092-C-T. GRCh37 (hg19) VCF-style: chrX-128615069-C-T.
Other names: c.2275G>A, p.Glu759Lys (NM_001282875.2, NM_001378262.1, NM_001378263.1 and 1 more transcripts); c.2311G>A, p.Glu771Lys (NM_001378261.1, NM_003069.5); short protein forms E759K, E771K.
Identifiers: ClinVar variation 3901132 (VCV003901132.1).

ClinVar aggregate classification (germline): Uncertain significance (1 of 4 stars; one submission).

Conditions:
Neurodevelopmental disorder. Identifiers: MedGen C1535926, MeSH D065886, MONDO:0700092.

Submission:

Developmental Brain Disorders Lab, Seattle Children's Hospital
Classification: Uncertain significance for Neurodevelopmental disorder. Last evaluated: 2025-05-01. Review status: criteria provided, single submitter. Criteria: ACMG Guidelines, 2015. Collection method: research. Allele origin: maternal. Affected: yes.
Comment: This is a missense variant that is absent in gnomAD v4.1.0. It is predicted to have a deleterious effect through computational prediction tools. It meets ACMG variant classification criteria (PM2, PP3) (PMID:25741868).